The following is an entry in ClinVar:

NM_007055.4(POLR3A):c.870C>T (p.Asn290=)

Gene: POLR3A (RNA polymerase III subunit A; minus strand). Cytogenetic location: 10q22.3.
Variant type: single nucleotide variant.
Coding change: c.870C>T on transcript NM_007055.4 (MANE Select); coding-DNA position 870, C replaced by T.
Protein change: p.Asn290=; no amino-acid change (asparagine 290 retained).
Molecular consequence: synonymous variant.
Genome position (GRCh38, 1-based): chr10:78,022,160, G>A on the plus strand (C>T on the coding strand, the complement: POLR3A is on the minus strand). VCF-style: chr10-78022160-G-A. GRCh37 (hg19) VCF-style: chr10-79781918-G-A.
Identifiers: ClinVar variation 799743 (VCV000799743.14), dbSNP rs536109385, ClinGen allele CA5571599.

ClinVar aggregate classification (germline): Likely benign. Review status: criteria provided, multiple submitters, no conflicts (2 of 4 stars). 2 submissions from 2 submitters: Likely benign (2). Last evaluated 2026-03-01.

Allele frequency attached by ClinVar (database versions not stated): gnomAD 0.00001; gnomAD exomes 0.00002 and 0.00004; TOPMed 0.00005; ExAC 0.00008; 1000 Genomes Project 30x 0.00016; 1000 Genomes Project 0.00020.
gnomAD v4.1: 28 of 1,614,108 alleles (0.0017%); highest among the groups gnomAD compares: Admixed American, 0.0067%; no homozygotes.

Submissions (2):

CeGaT Center for Human Genetics Tuebingen
Classification: Likely benign. Last evaluated: 2026-03-01. Review status: criteria provided, single submitter. Criteria: CeGaT Center For Human Genetics Tuebingen Variant Classification Criteria Version 2. Collection method: clinical testing. Allele origin: germline. Affected: yes. Observed: 2 variant alleles.
Comment: POLR3A: BP4, BP7

Labcorp Genetics (formerly Invitae), Labcorp
Classification: Likely benign. Last evaluated: 2025-10-16. Review status: criteria provided, single submitter. Criteria: Invitae Variant Classification Sherloc (09022015). Collection method: clinical testing. Allele origin: germline.